The following is an entry in ClinVar:

ClinVar aggregate classification (germline): Likely benign. Review status: criteria provided, single submitter (1 of 4 stars). 2 submissions from 2 submitters: Likely benign (1). 1 of the submissions does not count toward it. Last evaluated 2025-12-05.

Conditions:
Epidermolysis bullosa simplex, Ogna type (EBS5A). Also called: EPIDERMOLYSIS BULLOSA SIMPLEX 5A, OGNA TYPE; Pidermolysis bullosa simplex 5A, Ogna type. Identifiers: Orphanet 79401, MedGen C0432317, MONDO:0007555, OMIM 131950.
Autosomal recessive limb-girdle muscular dystrophy type 2Q (LGMDR17). Also called: MUSCULAR DYSTROPHY, LIMB-GIRDLE, AUTOSOMAL RECESSIVE 17. Identifiers: Orphanet 254361, MedGen C3150989, MONDO:0013390, OMIM 613723.
Epidermolysis bullosa simplex with nail dystrophy (EBS5D). Identifiers: MedGen C4225309, MONDO:0014661, OMIM 616487.
Epidermolysis bullosa simplex 5B, with muscular dystrophy (EBS5B). Also called: EPIDERMOLYSIS BULLOSA SIMPLEX AND LIMB-GIRDLE MUSCULAR DYSTROPHY; Epidermolysis bullosa simplex with muscular dystrophy. Identifiers: Orphanet 257, MedGen C2931072, MONDO:0009181, OMIM 226670.
Epidermolysis bullosa simplex 5C, with pyloric atresia (EBS5C). Also called: PLEC-Related Epidermolysis Bullosa with Pyloric Atresia; Epidermolysis bullosa simplex with pyloric atresia; PLEC1-Related Epidermolysis Bullosa with Pyloric Atresia. Identifiers: Orphanet 158684, MedGen C2677349, MONDO:0012807, OMIM 612138.
PLEC-related disorder. Also called: PLEC-related condition; PLEC-related disorders.

Allele frequency attached by ClinVar (database versions not stated): TOPMed 0.00002; gnomAD 0.00006; ExAC 0.00009.
gnomAD v4.1: 32 of 1,596,970 alleles (0.002%); highest among the groups gnomAD compares: African/African-American, 0.012%; no homozygotes.

Submissions (2):

Labcorp Genetics (formerly Invitae), Labcorp
Classification: Likely benign for Autosomal recessive limb-girdle muscular dystrophy type 2Q; Epidermolysis bullosa simplex, Ogna type; Epidermolysis bullosa simplex with nail dystrophy; Epidermolysis bullosa simplex 5C, with pyloric atresia; Epidermolysis bullosa simplex 5B, with muscular dystrophy. Last evaluated: 2025-12-05. Review status: criteria provided, single submitter. Criteria: Invitae Variant Classification Sherloc (09022015). Collection method: clinical testing. Allele origin: germline.

PreventionGenetics, part of Exact Sciences
Classification: Likely benign for PLEC-related condition. Last evaluated: 2019-03-22. Review status: no assertion criteria provided. Collection method: clinical testing. Allele origin: germline. Not counted in ClinVar's aggregate classification.
Comment: This variant is classified as likely benign based on ACMG/AMP sequence variant interpretation guidelines (Richards et al. 2015 PMID: 25741868, with internal and published modifications).

NM_201384.3(PLEC):c.3660C>T (p.Gly1220=)

Gene: PLEC (plectin; minus strand). Cytogenetic location: 8q24.3.
Variant type: single nucleotide variant.
Coding change: c.3660C>T on transcript NM_201384.3 (MANE Select); coding-DNA position 3660, C replaced by T.
Protein change: p.Gly1220=; no amino-acid change (glycine 1220 retained).
Molecular consequence: synonymous variant.
Genome position (GRCh38, 1-based): chr8:143,927,506, G>A on the plus strand (C>T on the coding strand, the complement: PLEC is on the minus strand). VCF-style: chr8-143927506-G-A. GRCh37 (hg19) VCF-style: chr8-145001674-G-A.
Other names: c.3741C>T, p.Gly1247= (NM_000445.5); c.3618C>T, p.Gly1206= (NM_201378.4); c.3594C>T, p.Gly1198= (NM_201379.3); c.4071C>T, p.Gly1357= (NM_201380.4); c.3564C>T, p.Gly1188= (NM_201381.3); c.3660C>T, p.Gly1220= (NM_201382.4); c.3672C>T, p.Gly1224= (NM_201383.3).
Identifiers: ClinVar variation 727274 (VCV000727274.10), dbSNP rs782205457, ClinGen allele CA4926993.
Genomic context (GRCh38, chr8:143,927,506, plus strand): 5'-GTCGGCCAGCGGCATGGCCTGGATCTGCTCCTGCCGCCGCCTGGCGTCCTGCAGCCAGGC[G>A]CCCAAGGGGTCTGCACTCTCGCGGTAGTAACGCAGCTGGCGGCCCAGTTGCTCGAGCTCG-3'
Protein context (NP_958786.1, residues 1210-1230): RYYRESADPL[Gly1220=]AWLQDARRRQ